The following is an entry in ClinVar:

NC_000005.9:g.(?_127595147)_(127873296_?)del

Gene: FBN2 (fibrillin 2; minus strand). Cytogenetic location: 5q23.3.
Variant type: Deletion.
Identifiers: ClinVar variation 2424339 (VCV002424339.5).

ClinVar aggregate classification (germline): Uncertain significance (1 of 4 stars; one submission).

Conditions:
Congenital contractural arachnodactyly (CCA). Also called: BEALS SYNDROME; Arthrogryposis, distal, type 9; Beals-Hecht syndrome. Identifiers: Orphanet 115, MedGen C0220668, MONDO:0007363, OMIM 121050.

Submission:

Labcorp Genetics (formerly Invitae), Labcorp
Classification: Uncertain significance for Congenital contractural arachnodactyly. Last evaluated: 2022-09-25. Review status: criteria provided, single submitter. Criteria: Invitae Variant Classification Sherloc (09022015). Collection method: clinical testing. Allele origin: germline.
Comment: A gross deletion of the genomic region encompassing the full coding sequence of the FBN2 gene has been identified. The current clinical and genetic evidence is not sufficient to establish whether loss-of-function variants in FBN2 cause disease. The boundaries of this event are unknown as they extend beyond the assayed region for this gene and therefore may encompass additional genes. Isolated whole-gene deletions of FBN2 have not been reported in the literature. However, larger copy number events that include this gene have been reported (PMID: 9605585, 24585410). In summary, the available evidence is currently insufficient to determine the role of this variant in disease. Therefore, it has been classified as a Variant of Uncertain Significance.

Literature cited by the submitters: PubMed 9605585; PubMed 24585410.